The following is an entry in ClinVar:

NM_001005242.3(PKP2):c.440G>C (p.Arg147Thr)

Gene: PKP2 (plakophilin 2; minus strand). Cytogenetic location: 12p11.21.
Variant type: single nucleotide variant.
Coding change: c.440G>C on transcript NM_001005242.3 (MANE Select); coding-DNA position 440, G replaced by C.
Protein change: p.Arg147Thr; replaces arginine 147 with threonine.
Molecular consequence: missense variant.
Genome position (GRCh38, 1-based): chr12:32,878,440, C>G on the plus strand (G>C on the coding strand, the complement: PKP2 is on the minus strand). VCF-style: chr12-32878440-C-G. GRCh37 (hg19) VCF-style: chr12-33031374-C-G.
Other names: c.440G>C, p.Arg147Thr (NM_004572.4); short protein forms R147T.
Identifiers: ClinVar variation 1401564 (VCV001401564.8), dbSNP rs1956955311, ClinGen allele CA384365257.

ClinVar aggregate classification (germline): Uncertain significance (1 of 4 stars; one submission).

Conditions:
Arrhythmogenic right ventricular dysplasia 9 (ARVD9). Also called: Arrhythmogenic Right Ventricular Dysplasia/Cardiomyopathy 9; ARRHYTHMOGENIC RIGHT VENTRICULAR DYSPLASIA, FAMILIAL, 9. Identifiers: MedGen C1836906, MONDO:0012180, OMIM 609040.

gnomAD v4.1: 3 of 1,614,120 alleles (0.00019%); highest among the groups gnomAD compares: Non-Finnish European, 0.00025%; no homozygotes.

Submission:

Labcorp Genetics (formerly Invitae), Labcorp
Classification: Uncertain significance for Arrhythmogenic right ventricular dysplasia 9. Last evaluated: 2021-02-06. Review status: criteria provided, single submitter. Criteria: Invitae Variant Classification Sherloc (09022015). Collection method: clinical testing. Allele origin: germline.
Comment: In summary, the available evidence is currently insufficient to determine the role of this variant in disease. Therefore, it has been classified as a Variant of Uncertain Significance. Algorithms developed to predict the effect of missense changes on protein structure and function (SIFT, PolyPhen-2, Align-GVGD) all suggest that this variant is likely to be disruptive, but these predictions have not been confirmed by published functional studies and their clinical significance is uncertain. This variant has not been reported in the literature in individuals with PKP2-related conditions. This variant is not present in population databases (ExAC no frequency). This sequence change replaces arginine with threonine at codon 147 of the PKP2 protein (p.Arg147Thr). The arginine residue is highly conserved and there is a moderate physicochemical difference between arginine and threonine.